The following is an entry in ClinVar:

NM_001999.4(FBN2):c.4714G>T (p.Val1572Phe)

Gene: FBN2 (fibrillin 2; minus strand). Cytogenetic location: 5q23.3.
Variant type: single nucleotide variant.
Coding change: c.4714G>T on transcript NM_001999.4 (MANE Select); coding-DNA position 4714, G replaced by T.
Protein change: p.Val1572Phe; replaces valine 1572 with phenylalanine.
Molecular consequence: missense variant.
Genome position (GRCh38, 1-based): chr5:128,318,152, C>A on the plus strand (G>T on the coding strand, the complement: FBN2 is on the minus strand). VCF-style: chr5-128318152-C-A. GRCh37 (hg19) VCF-style: chr5-127653844-C-A.
Other names: short protein forms V1572F.
Identifiers: ClinVar variation 234887 (VCV000234887.5), dbSNP rs535517270, ClinGen allele CA10577325.
Genomic context (GRCh38, chr5:128,318,152, plus strand): 5'-GAGTCTGAATATTCAACTTGATAATTCTATTTGTTTGTTTCATATAGCTTTACTTACCAA[C>A]ACAACCCACACCAGTTGGGTTCAACTGAAAATCGGGTGGGCAGTTACACTCATAGCGACC-3'
Protein context (NP_001990.2, residues 1562-1582): FQLNPTGVGC[Val1572Phe]DNRVGNCYLK

ClinVar aggregate classification (germline): Uncertain significance. Review status: criteria provided, multiple submitters, no conflicts (2 of 4 stars). 2 submissions from 2 submitters: Uncertain significance (2). Last evaluated 2023-07-12.

Conditions:
Congenital contractural arachnodactyly (CCA). Also called: BEALS SYNDROME; Beals-Hecht syndrome; Arthrogryposis, distal, type 9. Identifiers: Orphanet 115, MedGen C0220668, MONDO:0007363, OMIM 121050.

Submissions (2):

Labcorp Genetics (formerly Invitae), Labcorp
Classification: Uncertain significance for Congenital contractural arachnodactyly. Last evaluated: 2023-07-12. Review status: criteria provided, single submitter. Criteria: Invitae Variant Classification Sherloc (09022015). Collection method: clinical testing. Allele origin: germline.
Comment: Advanced modeling of protein sequence and biophysical properties (such as structural, functional, and spatial information, amino acid conservation, physicochemical variation, residue mobility, and thermodynamic stability) performed at Invitae indicates that this missense variant is not expected to disrupt FBN2 protein function. In summary, the available evidence is currently insufficient to determine the role of this variant in disease. Therefore, it has been classified as a Variant of Uncertain Significance. ClinVar contains an entry for this variant (Variation ID: 234887). This variant has not been reported in the literature in individuals affected with FBN2-related conditions. This variant is not present in population databases (gnomAD no frequency). This sequence change replaces valine, which is neutral and non-polar, with phenylalanine, which is neutral and non-polar, at codon 1572 of the FBN2 protein (p.Val1572Phe).

GeneDx
Classification: Uncertain significance. Last evaluated: 2016-03-09. Review status: criteria provided, single submitter. Criteria: GeneDx Variant Classification (06012015). Collection method: clinical testing. Allele origin: germline. Affected: yes.
Comment: The V1572F variant has not been published as a pathogenic variant, nor has it been reported as a benign variant to our knowledge. It was not observed in approximately 6,500 individuals of European and African American ancestry in the NHLBI Exome Sequencing Project, indicating it is not a common benign variant in these populations. The V1572F variant is a semi-conservative amino acid substitution, which may impact secondary protein structure as these residues differ in some properties. Furthermore, this substitution occurs at a position that is conserved across species, and in silico analysis predicts this variant is probably damaging to the protein structure/function. However, although this variant resides within the calcium-binding EGF-like domain of the FBN2 gene, it does not affect a Cysteine residue. Cysteine substitutions in the calcium-binding EGF-like domains represent the majority of pathogenic missense changes associated with Marfan syndrome (Collod-Beroud et al., 2003; FrÃ©dÃ©ric et al., 2009).